The following is an entry in ClinVar:

NM_002524.5(NRAS):c.283C>T (p.Leu95Phe)

Gene: NRAS (NRAS proto-oncogene, GTPase; minus strand). Cytogenetic location: 1p13.2.
Variant type: single nucleotide variant.
Coding change: c.283C>T on transcript NM_002524.5 (MANE Select); coding-DNA position 283, C replaced by T.
Protein change: p.Leu95Phe; replaces leucine 95 with phenylalanine.
Molecular consequence: missense variant.
Genome position (GRCh38, 1-based): chr1:114,713,807, G>A on the plus strand (C>T on the coding strand, the complement: NRAS is on the minus strand). VCF-style: chr1-114713807-G-A. GRCh37 (hg19) VCF-style: chr1-115256428-G-A.
Other names: short protein forms L95F.
Identifiers: ClinVar variation 2635615 (VCV002635615.4), dbSNP rs1171006685, ClinGen allele CA341741277.

ClinVar aggregate classification (germline): Uncertain significance. Review status: criteria provided, multiple submitters, no conflicts (2 of 4 stars). 2 submissions from 2 submitters: Uncertain significance (2). Last evaluated 2024-05-28.

Conditions:
NRAS-related disorder. Also called: NRAS-related condition.
RASopathy. Also called: rasopathies; Noonan spectrum disorder. Identifiers: Orphanet 536391, MedGen C5555857, MONDO:0021060.

Allele frequency attached by ClinVar (database versions not stated): gnomAD exomes below 0.00001.
gnomAD v4.1: 4 of 1,613,254 alleles (0.00025%); highest among the groups gnomAD compares: Admixed American, 0.0033%; no homozygotes.

Submissions (2):

Labcorp Genetics (formerly Invitae), Labcorp
Classification: Uncertain significance for RASopathy. Last evaluated: 2024-05-28. Review status: criteria provided, single submitter. Criteria: Invitae Variant Classification Sherloc (09022015). Collection method: clinical testing. Allele origin: germline.
Comment: This sequence change replaces leucine, which is neutral and non-polar, with phenylalanine, which is neutral and non-polar, at codon 95 of the NRAS protein (p.Leu95Phe). This variant is present in population databases (no rsID available, gnomAD 0.009%). This variant has not been reported in the literature in individuals affected with NRAS-related conditions. ClinVar contains an entry for this variant (Variation ID: 2635615). Advanced modeling of protein sequence and biophysical properties (such as structural, functional, and spatial information, amino acid conservation, physicochemical variation, residue mobility, and thermodynamic stability) performed at Invitae indicates that this missense variant is not expected to disrupt NRAS protein function with a negative predictive value of 95%. In summary, the available evidence is currently insufficient to determine the role of this variant in disease. Therefore, it has been classified as a Variant of Uncertain Significance.

PreventionGenetics, part of Exact Sciences
Classification: Uncertain significance for NRAS-related condition. Last evaluated: 2022-11-23. Review status: criteria provided, single submitter. Criteria: ACMG Guidelines, 2015. Collection method: clinical testing. Allele origin: germline.
Comment: The NRAS c.283C>T variant is predicted to result in the amino acid substitution p.Leu95Phe. To our knowledge, this variant has not been reported in the literature. This variant is reported in 0.0058% of alleles in individuals of Latino descent in gnomAD. At this time, the clinical significance of this variant is uncertain due to the absence of conclusive functional and genetic evidence.